The following is an entry in ClinVar:

ClinVar aggregate classification (germline): Uncertain significance (1 of 4 stars; one submission).

Conditions:
Familial thoracic aortic aneurysm and aortic dissection (TAAD). Also called: Thoracic aortic aneurysms and dissections. Identifiers: Orphanet 91387, MedGen C4707243, MONDO:0019625.

Submission:

Labcorp Genetics (formerly Invitae), Labcorp
Classification: Uncertain significance for Familial thoracic aortic aneurysm and aortic dissection. Last evaluated: 2018-11-26. Review status: criteria provided, single submitter. Criteria: Invitae Variant Classification Sherloc (09022015). Collection method: clinical testing. Allele origin: germline.
Comment: In summary, the available evidence is currently insufficient to determine the role of this variant in disease. Therefore, it has been classified as a Variant of Uncertain Significance. Algorithms developed to predict the effect of missense changes on protein structure and function (SIFT, PolyPhen-2, Align-GVGD) all suggest that this variant is likely to be tolerated, but these predictions have not been confirmed by published functional studies and their clinical significance is uncertain. This variant has not been reported in the literature in individuals with SMAD3-related conditions. This variant is not present in population databases (ExAC no frequency). This sequence change replaces methionine with isoleucine at codon 115 of the SMAD3 protein (p.Met115Ile). The methionine residue is moderately conserved and there is a small physicochemical difference between methionine and isoleucine.

NM_005902.4(SMAD3):c.345G>A (p.Met115Ile)

Gene: SMAD3 (SMAD family member 3; plus strand). Cytogenetic location: 15q22.33.
Variant type: single nucleotide variant.
Coding change: c.345G>A on transcript NM_005902.4 (MANE Select); coding-DNA position 345, G replaced by A.
Protein change: p.Met115Ile; replaces methionine 115 with isoleucine.
Molecular consequence: missense variant.
Genome position (GRCh38, 1-based): chr15:67,165,033, G>A. VCF-style: chr15-67165033-G-A. GRCh37 (hg19) VCF-style: chr15-67457371-G-A.
Other names: c.30G>A, p.Met10Ile (NM_001145102.2); c.213G>A, p.Met71Ile (NM_001145103.2); short protein forms M10I, M115I, M71I.
Identifiers: ClinVar variation 644987 (VCV000644987.7), dbSNP rs1595941837, ClinGen allele CA392954086.